The following is an entry in ClinVar:

ClinVar aggregate classification (germline): Likely pathogenic. Review status: criteria provided, multiple submitters, no conflicts (2 of 4 stars). 2 submissions from 2 submitters: Likely pathogenic (2). Last evaluated 2026-01-29.

Conditions:
Phenylketonuria (PKU). Also called: OLIGOPHRENIA PHENYLPYRUVICA; Phenylketonurias; Phenylketonuria (PKU); FOLLING DISEASE. Identifiers: Orphanet 716, MedGen C0031485, MONDO:0009861, OMIM 261600. Disease mechanism: loss of function.

Allele frequency attached by ClinVar (database versions not stated): gnomAD exomes below 0.00001 and 0.00001; TOPMed 0.00002; gnomAD 0.00003; ExAC 0.00002.
gnomAD v4.1: 16 of 1,613,578 alleles (0.00099%); highest among the groups gnomAD compares: Non-Finnish European, 0.001%; no homozygotes.

Submissions (2):

Natera, Inc.
Classification: Likely pathogenic for Phenylketonuria. Last evaluated: 2026-01-29. Review status: criteria provided, single submitter. Criteria: Natera Variant Classification Schema (03/2026). Collection method: clinical testing. Allele origin: germline.
Comment: The c.125A>G variant in PAH is a missense variant predicted to cause substitution of lysine to arginine at amino acid 42. This variant is rare in the general population with a frequency below the threshold expected for the associated phenotype(s). This variant has been observed in one or more individuals affected with the associated recessive disease, as either homozygous or compound heterozygous with a second variant (PMID: 39039323). A different variant at the same position has been determined to be Pathogenic or Likely Pathogenic. Given the available evidence, this variant is classified as Likely Pathogenic.

Labcorp Genetics (formerly Invitae), Labcorp
Classification: Likely pathogenic for Phenylketonuria. Last evaluated: 2024-02-03. Review status: criteria provided, single submitter. Criteria: Invitae Variant Classification Sherloc (09022015). Collection method: clinical testing. Allele origin: germline.
Comment: This sequence change replaces lysine, which is basic and polar, with arginine, which is basic and polar, at codon 42 of the PAH protein (p.Lys42Arg). This variant is present in population databases (rs62635346, gnomAD 0.003%). This variant has not been reported in the literature in individuals affected with PAH-related conditions. ClinVar contains an entry for this variant (Variation ID: 1498472). Advanced modeling of protein sequence and biophysical properties (such as structural, functional, and spatial information, amino acid conservation, physicochemical variation, residue mobility, and thermodynamic stability) performed at Invitae indicates that this missense variant is not expected to disrupt PAH protein function with a negative predictive value of 80%. This variant disrupts the p.Lys42 amino acid residue in PAH. Other variant(s) that disrupt this residue have been determined to be pathogenic (PMID: 11461190, 21953985). This suggests that this residue is clinically significant, and that variants that disrupt this residue are likely to be disease-causing. In summary, the currently available evidence indicates that the variant is pathogenic, but additional data are needed to prove that conclusively. Therefore, this variant has been classified as Likely Pathogenic.

Literature cited by the submitters: PubMed 39039323 (cited by Natera, Inc.); PubMed 11461190 (cited by Labcorp Genetics (formerly Invitae), Labcorp); PubMed 21953985 (cited by Labcorp Genetics (formerly Invitae), Labcorp).

NM_000277.3(PAH):c.125A>G (p.Lys42Arg)

Gene: PAH (phenylalanine hydroxylase; minus strand). Cytogenetic location: 12q23.2.
Variant type: single nucleotide variant.
Coding change: c.125A>G on transcript NM_000277.3 (MANE Select); coding-DNA position 125, A replaced by G.
Protein change: p.Lys42Arg; replaces lysine 42 with arginine.
Molecular consequence: missense variant.
Genome position (GRCh38, 1-based): chr12:102,912,834, T>C on the plus strand (A>G on the coding strand, the complement: PAH is on the minus strand). VCF-style: chr12-102912834-T-C. GRCh37 (hg19) VCF-style: chr12-103306612-T-C.
Other names: c.125A>G, p.Lys42Arg (NM_001354304.2); c.125A>G (NM_000277.2); short protein forms K42R.
Identifiers: ClinVar variation 1498472 (VCV001498472.7), dbSNP rs62635346, ClinGen allele CA6749044.